The following is an entry in ClinVar:

NM_000465.4(BARD1):c.1647T>G (p.Asn549Lys)

Gene: BARD1 (BRCA1 associated RING domain 1; minus strand). Cytogenetic location: 2q35.
Variant type: single nucleotide variant.
Coding change: c.1647T>G on transcript NM_000465.4 (MANE Select); coding-DNA position 1647, T replaced by G.
Protein change: p.Asn549Lys; replaces asparagine 549 with lysine.
Molecular consequence: missense variant. On other transcripts: non-coding transcript variant (3), intron variant (1).
Genome position (GRCh38, 1-based): chr2:214,752,477, A>C on the plus strand (T>G on the coding strand, the complement: BARD1 is on the minus strand). VCF-style: chr2-214752477-A-C. GRCh37 (hg19) VCF-style: chr2-215617201-A-C.
Other names: c.1590T>G, p.Asn530Lys (NM_001282543.2); c.294T>G, p.Asn98Lys (NM_001282545.2); c.237T>G, p.Asn79Lys (NM_001282548.2); c.365-21969T>G (NM_001282549.2); short protein forms N79K, N530K, N549K, N98K.
Identifiers: ClinVar variation 3260454 (VCV003260454.1).

ClinVar aggregate classification (germline): Uncertain significance (1 of 4 stars; one submission).

Conditions:
Hereditary cancer-predisposing syndrome. Also called: Hereditary Cancer Syndrome; Tumor predisposition; Hereditary neoplastic syndrome; Neoplastic Syndromes, Hereditary. Identifiers: Orphanet 140162, MedGen C0027672, MeSH D009386, MONDO:0015356.

gnomAD v4.1: 1 of 1,613,618 alleles (0.000062%); no homozygotes.

Submission:

Ambry Genetics
Classification: Uncertain significance for Hereditary cancer-predisposing syndrome. Last evaluated: 2024-06-15. Review status: criteria provided, single submitter. Criteria: Ambry Variant Classification Scheme 2023. Collection method: clinical testing. Allele origin: germline.
Comment: The p.N549K variant (also known as c.1647T>G), located in coding exon 7 of the BARD1 gene, results from a T to G substitution at nucleotide position 1647. The asparagine at codon 549 is replaced by lysine, an amino acid with similar properties. This amino acid position is conserved. In addition, this alteration is predicted to be tolerated by in silico analysis. Based on the available evidence, the clinical significance of this variant remains unclear.